The following is an entry in ClinVar:

ClinVar aggregate classification (germline): Conflicting classifications of pathogenicity. Review status: criteria provided, conflicting classifications (1 of 4 stars). 2 submissions from 2 submitters: Uncertain significance (1); Benign (1). Last evaluated 2025-12-08.

Conditions:
Hereditary cancer-predisposing syndrome. Also called: Tumor predisposition; Neoplastic Syndromes, Hereditary; Hereditary Cancer Syndrome; Hereditary neoplastic syndrome. Identifiers: Orphanet 140162, MedGen C0027672, MeSH D009386, MONDO:0015356.
Retinoblastoma (RB1). Also called: RETINOBLASTOMA, SOMATIC. Identifiers: Orphanet 790, MedGen C0035335, MeSH D012175, MONDO:0008380, OMIM 180200, HP:0009919. Disease mechanism: loss of function. Inheritance: Both sporadic and heritable forms are tested..

Allele frequency attached by ClinVar (database versions not stated): ExAC below 0.00001; gnomAD exomes below 0.00001 and 0.00001; TOPMed 0.00001.
gnomAD v4.1: 1 of 1,418,142 alleles (0.000071%); highest among the groups gnomAD compares: Admixed American, 0.0024%; no homozygotes.

Submissions (2):

Labcorp Genetics (formerly Invitae), Labcorp
Classification: Benign for Retinoblastoma. Last evaluated: 2025-12-08. Review status: criteria provided, single submitter. Criteria: Invitae Variant Classification Sherloc (09022015). Collection method: clinical testing. Allele origin: germline.

Sema4
Classification: Uncertain significance for Hereditary cancer-predisposing syndrome. Last evaluated: 2022-03-08. Review status: criteria provided, single submitter. Criteria: Sema4 Curation Guidelines. Collection method: curation. Allele origin: germline.
Comment: The RB1 c.1421+6T>C variant has not been reported in the literature to our knowledge. This variant was observed in 1/17160 chromosomes in the Latino population according to the Genome Aggregation Database (PMID: 32461654). This variant has been reported in ClinVar (Variation ID: 800162). In silico tools do not suggest negative effect on normal splicing, though these predictions have not been confirmed by functional studies. The evidence is insufficient to meet ACMG/AMP criteria for classifying the variant as benign or pathogenic. Thus, the clinical significance of this variant is currently uncertain.

NM_000321.3(RB1):c.1421+6T>C

Gene: RB1 (RB transcriptional corepressor 1; plus strand). Cytogenetic location: 13q14.2.
Variant type: single nucleotide variant.
Coding change: c.1421+6T>C on transcript NM_000321.3 (MANE Select); 6 bases into the intron after coding-DNA position 1421, T replaced by C.
Molecular consequence: intron variant.
Genome position (GRCh38, 1-based): chr13:48,380,090, T>C. VCF-style: chr13-48380090-T-C. GRCh37 (hg19) VCF-style: chr13-48954226-T-C.
Identifiers: ClinVar variation 800162 (VCV000800162.12), dbSNP rs768192190, ClinGen allele CA028741.